The following is an entry in ClinVar:

ClinVar aggregate classification (germline): Uncertain significance. Review status: criteria provided, multiple submitters, no conflicts (2 of 4 stars). 4 submissions from 4 submitters: Uncertain significance (4). Last evaluated 2026-04-29.

Conditions:
Autosomal recessive nonsyndromic hearing loss 30. Identifiers: Orphanet 90636, MedGen C1846784, MONDO:0011774, OMIM 607101.
MYO3A-related disorder. Also called: MYO3A-related condition.

Allele frequency attached by ClinVar (database versions not stated): TOPMed 0.00003; gnomAD exomes 0.00010 and 0.00018; gnomAD 0.00013; 1000 Genomes Project 0.00020; ExAC 0.00025; 1000 Genomes Project 30x 0.00031.
gnomAD v4.1: 156 of 1,610,916 alleles (0.0097%); highest among the groups gnomAD compares: South Asian, 0.14%; 1 homozygote.

Submissions (4):

PreventionGenetics, part of Exact Sciences
Classification: Uncertain significance for MYO3A-related condition. Last evaluated: 2026-04-29. Review status: criteria provided, single submitter. Criteria: ACMG Guidelines, 2015. Collection method: clinical testing. Allele origin: germline.
Comment: The MYO3A c.3256G>A variant is predicted to result in the amino acid substitution p.Ala1086Thr. To our knowledge, this variant has not been reported in the literature. This variant is reported in 0.13% of alleles in individuals of South Asian descent in gnomAD. Although we suspect that this variant may be benign, at this time, the clinical significance of this variant is uncertain due to the absence of conclusive functional and genetic evidence.

GeneDx
Classification: Uncertain significance. Last evaluated: 2025-12-01. Review status: criteria provided, single submitter. Criteria: GeneDx Variant Classification Process June 2021. Collection method: clinical testing. Allele origin: germline.
Comment: In silico analysis supports that this missense variant has a deleterious effect on protein structure/function; Has not been previously published as pathogenic or benign to our knowledge

Labcorp Genetics (formerly Invitae), Labcorp
Classification: Uncertain significance. Last evaluated: 2024-01-31. Review status: criteria provided, single submitter. Criteria: Invitae Variant Classification Sherloc (09022015). Collection method: clinical testing. Allele origin: germline.
Comment: This sequence change replaces alanine, which is neutral and non-polar, with threonine, which is neutral and polar, at codon 1086 of the MYO3A protein (p.Ala1086Thr). This variant is present in population databases (rs568909391, gnomAD 0.1%). This variant has not been reported in the literature in individuals affected with MYO3A-related conditions. ClinVar contains an entry for this variant (Variation ID: 299668). Advanced modeling of protein sequence and biophysical properties (such as structural, functional, and spatial information, amino acid conservation, physicochemical variation, residue mobility, and thermodynamic stability) performed at Invitae indicates that this missense variant is not expected to disrupt MYO3A protein function with a negative predictive value of 80%. In summary, the available evidence is currently insufficient to determine the role of this variant in disease. Therefore, it has been classified as a Variant of Uncertain Significance.

Illumina Laboratory Services, Illumina
Classification: Uncertain significance for Autosomal recessive nonsyndromic hearing loss 30. Last evaluated: 2018-01-12. Review status: criteria provided, single submitter. Criteria: ICSL Variant Classification Criteria 13 December 2019. Collection method: clinical testing. Allele origin: germline.

NM_017433.5(MYO3A):c.3256G>A (p.Ala1086Thr)

Gene: MYO3A (myosin IIIA; plus strand). Cytogenetic location: 10p12.1.
Variant type: single nucleotide variant.
Coding change: c.3256G>A on transcript NM_017433.5 (MANE Select); coding-DNA position 3256, G replaced by A.
Protein change: p.Ala1086Thr; replaces alanine 1086 with threonine.
Molecular consequence: missense variant.
Genome position (GRCh38, 1-based): chr10:26,168,856, G>A. VCF-style: chr10-26168856-G-A. GRCh37 (hg19) VCF-style: chr10-26457785-G-A.
Other names: short protein forms A1086T.
Identifiers: ClinVar variation 299668 (VCV000299668.10), dbSNP rs568909391, ClinGen allele CA5445209.